The following is an entry in ClinVar:

ClinVar aggregate classification (germline): Uncertain significance (1 of 4 stars; one submission).

Conditions:
Congenital muscular dystrophy due to integrin alpha-7 deficiency. Also called: MYOPATHY, CONGENITAL, DUE TO INTEGRIN ALPHA-7 DEFICIENCY; Congenital muscular dystrophy with integrin alpha-7 deficiency; Muscular dystrophy, congenital, due to ITGA7 deficiency. Identifiers: Orphanet 34520, MedGen C2750786, MONDO:0013177, OMIM 613204.

gnomAD v4.1: 1 of 1,614,128 alleles (0.000062%); highest among the groups gnomAD compares: Non-Finnish European, 0.000085%; no homozygotes.

Submission:

Labcorp Genetics (formerly Invitae), Labcorp
Classification: Uncertain significance for Congenital muscular dystrophy due to integrin alpha-7 deficiency. Last evaluated: 2025-04-14. Review status: criteria provided, single submitter. Criteria: Invitae Variant Classification Sherloc (09022015). Collection method: clinical testing. Allele origin: germline.
Comment: This sequence change replaces aspartic acid, which is acidic and polar, with tyrosine, which is neutral and polar, at codon 704 of the ITGA7 protein (p.Asp704Tyr). This variant is not present in population databases (gnomAD no frequency). This variant has not been reported in the literature in individuals affected with ITGA7-related conditions. ClinVar contains an entry for this variant (Variation ID: 645983). Invitae Evidence Modeling of protein sequence and biophysical properties (such as structural, functional, and spatial information, amino acid conservation, physicochemical variation, residue mobility, and thermodynamic stability) indicates that this missense variant is not expected to disrupt ITGA7 protein function with a negative predictive value of 80%. In summary, the available evidence is currently insufficient to determine the role of this variant in disease. Therefore, it has been classified as a Variant of Uncertain Significance.

NM_002206.3(ITGA7):c.2110G>T (p.Asp704Tyr)

Genes: ITGA7 (integrin subunit alpha 7; minus strand), LOC126861535 (CDK7 strongly-dependent group 2 enhancer GRCh37_chr12:56087579-56088778; plus strand). Cytogenetic location: 12q13.2.
Variant type: single nucleotide variant.
Coding change: c.2110G>T on transcript NM_002206.3 (MANE Select); coding-DNA position 2110, G replaced by T.
Protein change: p.Asp704Tyr; replaces aspartic acid 704 with tyrosine.
Molecular consequence: missense variant.
Genome position (GRCh38, 1-based): chr12:55,694,864, C>A on the plus strand (G>T on the coding strand, the complement: ITGA7 is on the minus strand). VCF-style: chr12-55694864-C-A. GRCh37 (hg19) VCF-style: chr12-56088648-C-A.
Other names: c.2122G>T, p.Asp708Tyr (NM_001144996.2); c.1831G>T, p.Asp611Tyr (NM_001144997.2); c.1783G>T, p.Asp595Tyr (NM_001367993.1); c.766G>T, p.Asp256Tyr (NM_001367994.1); c.2092G>T, p.Asp698Tyr (NM_001374465.1); c.2242G>T, p.Asp748Tyr (NM_001410977.1); c.2104G>T, p.Asp702Tyr (NM_001414029.1); c.2035G>T, p.Asp679Tyr (NM_001414030.1); and 4 more; short protein forms D704Y, D708Y, D256Y, D595Y, D611Y, D698Y, D748Y, D591Y.
Identifiers: ClinVar variation 645983 (VCV000645983.9), dbSNP rs1592433547, ClinGen allele CA385184131.